The following is an entry in ClinVar:

ClinVar aggregate classification (germline): Benign. Review status: criteria provided, multiple submitters, no conflicts (2 of 4 stars). 4 submissions from 3 submitters: Benign (3). 1 of the submissions does not count toward it. Last evaluated 2026-09-21.

Submissions (4):

Molecular Diagnostic Laboratory for Inherited Cardiovascular Disease, Montreal Heart Institute
Classification: Benign. Last evaluated: 2026-09-21. Review status: criteria provided, single submitter. Criteria: ACMG Guidelines, 2015. Collection method: clinical testing. Allele origin: germline. Affected: no.
Comment: BA1

GeneDx
Classification: Benign. Last evaluated: 2019-08-10. Review status: criteria provided, single submitter. Criteria: GeneDx Variant Classification Process June 2021. Collection method: clinical testing. Allele origin: germline. Affected: yes.

Mayo Clinic Laboratories, Mayo Clinic
Classification: Benign. Last evaluated: 2015-05-29. Review status: criteria provided, single submitter. Criteria: ACMG Guidelines, 2015. Collection method: clinical testing. Allele origin: germline. Observed: 717 variant alleles.

GeneDx
Classification: Benign. Last evaluated: 2013-08-29. Review status: flagged submission. Criteria: GeneDx Variant Classification (06012015). Collection method: clinical testing. Allele origin: germline. Affected: yes. Not counted in ClinVar's aggregate classification.
Comment: The variant is found in DCM panel(s).
ClinVar note: Reason: This record appears to be redundant with a more recent record from the same submitter.
ClinVar note: Notes: SCV000236707 appears to be redundant with SCV001857753.

NM_001267550.2(TTN):c.8902+14TA[7]

Gene: TTN (titin; minus strand). Cytogenetic location: 2q31.2.
Variant type: Microsatellite.
Coding change: c.8902+14TA[7] on transcript NM_001267550.2 (MANE Select); seven copies in a row of the 2-base unit TA starting at c.8902+14; the reference has eight copies in a row; one copy, 2 bases deleted.
Molecular consequence: intron variant.
Genome position (GRCh38, 1-based): chr2:178,769,650-178,769,651, TA deleted on the plus strand (TA on the coding strand, the reverse complement: TTN is on the minus strand); deleting any 2 consecutive bases within chr2:178,769,650-178,769,666 gives the same sequence; the position shown is the placement nearest the transcript's 3' end. VCF-style (leftmost placement, unchanged base first): chr2-178769649-GTA-G. GRCh37 (hg19) VCF-style: chr2-179634376-GTA-G.
Other names: c.8902+28_8902+29delTA (NM_001256850.1); c.8902+13_8902+14delAT (NM_001256850.1); c.8764+14TA[7] (NM_003319.4, NM_133437.4, NM_133432.3); c.8902+14TA[7] (NM_133378.4, NM_001256850.1, NM_133379.5).
Identifiers: ClinVar variation 202285 (VCV000202285.5), dbSNP rs769907387, ClinGen allele CA308981.
Genomic context (GRCh38, chr2:178,769,649, plus strand): 5'-AAAGTGTAGGATATAGAATATCAATGAATCTACTGAATATTTGATATTTTATATATATGT[GTA>G]TATATATATATATATTTTTTAACTTACGGGTGACTGTCAGGGTGGCACTGACTTGGTCAT-3'